The following is an entry in ClinVar:

NM_006019.4(TCIRG1):c.1857C>T (p.Ser619=)

Gene: TCIRG1 (T cell immune regulator 1, ATPase H+ transporting V0 subunit a3; plus strand). Cytogenetic location: 11q13.2.
Variant type: single nucleotide variant.
Coding change: c.1857C>T on transcript NM_006019.4 (MANE Select); coding-DNA position 1857, C replaced by T.
Protein change: p.Ser619=; no amino-acid change (serine 619 retained).
Molecular consequence: synonymous variant.
Genome position (GRCh38, 1-based): chr11:68,049,264, C>T. VCF-style: chr11-68049264-C-T. GRCh37 (hg19) VCF-style: chr11-67816731-C-T.
Other names: c.963C>T, p.Ser321= (NM_001351059.2); c.1209C>T, p.Ser403= (NM_006053.4); c.1857C>T (NM_006019.3).
Identifiers: ClinVar variation 2001365 (VCV002001365.6), dbSNP rs2495659546, ClinGen allele CA475450491.
Genomic context (GRCh38, chr11:68,049,264, plus strand): 5'-GGCCGCCTCGGCCCCCAGCATCCTCATCCACTTCATCAACATGTTCCTCTTCTCCCACAG[C>T]CCCAGCAACAGGCTGCTCTACCCCCGGCAGGTGGGCTGCGGCTGGTGGGGGCCGGGCTCA-3'
Protein context (NP_006010.2, residues 609-629): HFINMFLFSH[Ser619=]PSNRLLYPRQ

ClinVar aggregate classification (germline): Likely benign. Review status: criteria provided, single submitter (1 of 4 stars). 2 submissions from 2 submitters: Likely benign (1). 1 of the submissions does not count toward it. Last evaluated 2022-05-31.

Conditions:
TCIRG1-related disorder. Also called: TCIRG1-related condition.

Submissions (2):

Labcorp Genetics (formerly Invitae), Labcorp
Classification: Likely benign. Last evaluated: 2022-05-31. Review status: criteria provided, single submitter. Criteria: Invitae Variant Classification Sherloc (09022015). Collection method: clinical testing. Allele origin: germline.

PreventionGenetics, part of Exact Sciences
Classification: Likely benign for TCIRG1-related condition. Last evaluated: 2021-12-20. Review status: no assertion criteria provided. Collection method: clinical testing. Allele origin: germline. Not counted in ClinVar's aggregate classification.
Comment: This variant is classified as likely benign based on ACMG/AMP sequence variant interpretation guidelines (Richards et al. 2015 PMID: 25741868, with internal and published modifications).